The following is an entry in ClinVar:

ClinVar aggregate classification (germline): Uncertain significance. Review status: criteria provided, multiple submitters, no conflicts (2 of 4 stars). 3 submissions from 3 submitters: Uncertain significance (3). Last evaluated 2023-04-03.

Conditions:
Hereditary cancer-predisposing syndrome. Also called: Neoplastic Syndromes, Hereditary; Hereditary Cancer Syndrome; Hereditary neoplastic syndrome; Tumor predisposition. Identifiers: Orphanet 140162, MedGen C0027672, MeSH D009386, MONDO:0015356.
Tuberous sclerosis syndrome (TSC). Also called: Tuberous sclerosis; Tuberous Sclerosis Complex. Identifiers: Orphanet 805, MedGen C0041341, MONDO:0001734.
Tuberous sclerosis 2 (TSC2). Identifiers: Orphanet 805, MedGen C1860707, MONDO:0013199, OMIM 613254.

Submissions (3):

All of Us Research Program, National Institutes of Health
Classification: Uncertain significance for Tuberous sclerosis syndrome. Last evaluated: 2023-04-03. Review status: criteria provided, single submitter. Criteria: ACMG Guidelines, 2015. Collection method: clinical testing. Allele origin: germline. Inheritance: Autosomal dominant inheritance. Observed: 1 variant allele, 1 heterozygote.
Comment: This missense variant replaces proline with threonine at codon 541 of the TSC2 protein. Computational prediction suggests that this variant may not impact protein structure and function (internally defined REVEL score threshold <= 0.5, PMID: 27666373). To our knowledge, functional studies have not been reported for this variant. This variant has not been reported in individuals affected with tuberous sclerosis complex in the literature. This variant has not been identified in the general population by the Genome Aggregation Database (gnomAD). The available evidence is insufficient to determine the role of this variant in disease conclusively. Therefore, this variant is classified as a Variant of Uncertain Significance.

This study involves interpretation of variants in research participants for the purpose of population health screening. Participant phenotype was not available at the time of variant classification. Additional details can be found in publication PMID: 35346344, PMCID: PMC8962531

Ambry Genetics
Classification: Uncertain significance for Hereditary cancer-predisposing syndrome. Last evaluated: 2021-06-25. Review status: criteria provided, single submitter. Criteria: Ambry Variant Classification Scheme 2023. Collection method: clinical testing. Allele origin: germline.
Comment: The p.P541T variant (also known as c.1621C>A), located in coding exon 15 of the TSC2 gene, results from a C to A substitution at nucleotide position 1621. The proline at codon 541 is replaced by threonine, an amino acid with highly similar properties. This amino acid position is not well conserved in available vertebrate species. In addition, this alteration is predicted to be tolerated by in silico analysis. Since supporting evidence is limited at this time, the clinical significance of this alteration remains unclear.

Labcorp Genetics (formerly Invitae), Labcorp
Classification: Uncertain significance for Tuberous sclerosis 2. Last evaluated: 2018-07-15. Review status: criteria provided, single submitter. Criteria: Invitae Variant Classification Sherloc (09022015). Collection method: clinical testing. Allele origin: germline.
Comment: This sequence change replaces proline with threonine at codon 541 of the TSC2 protein (p.Pro541Thr). The proline residue is weakly conserved and there is a small physicochemical difference between proline and threonine. This variant is not present in population databases (ExAC no frequency). This variant has not been reported in the literature in individuals with TSC2-related disease. Algorithms developed to predict the effect of missense changes on protein structure and function (SIFT, PolyPhen-2, Align-GVGD) all suggest that this variant is likely to be tolerated, but these predictions have not been confirmed by published functional studies and their clinical significance is uncertain. In summary, the available evidence is currently insufficient to determine the role of this variant in disease. Therefore, it has been classified as a Variant of Uncertain Significance.

NM_000548.5(TSC2):c.1621C>A (p.Pro541Thr)

Gene: TSC2 (TSC complex subunit 2; plus strand). Cytogenetic location: 16p13.3.
Variant type: single nucleotide variant.
Coding change: c.1621C>A on transcript NM_000548.5 (MANE Select); coding-DNA position 1621, C replaced by A.
Protein change: p.Pro541Thr; replaces proline 541 with threonine.
Molecular consequence: missense variant.
Genome position (GRCh38, 1-based): chr16:2,065,540, C>A. VCF-style: chr16-2065540-C-A. GRCh37 (hg19) VCF-style: chr16-2115541-C-A.
Other names: c.1621C>A, p.Pro541Thr (NM_001077183.3, NM_001114382.3, NM_001363528.2 and 3 more transcripts); c.1510C>A, p.Pro504Thr (NM_001318827.2); c.1474C>A, p.Pro492Thr (NM_001318829.2); c.1021C>A, p.Pro341Thr (NM_001318831.2); c.1654C>A, p.Pro552Thr (NM_001318832.2); short protein forms P504T, P341T, P541T, P552T, P492T.
Identifiers: ClinVar variation 641429 (VCV000641429.12), dbSNP rs1596317209, ClinGen allele CA394267688.